The following is an entry in ClinVar:

NM_001038603.3(MARVELD2):c.564G>A (p.Ser188=)

Gene: MARVELD2 (MARVEL domain containing 2; plus strand). Cytogenetic location: 5q13.2.
Variant type: single nucleotide variant.
Coding change: c.564G>A on transcript NM_001038603.3 (MANE Select); coding-DNA position 564, G replaced by A.
Protein change: p.Ser188=; no amino-acid change (serine 188 retained).
Molecular consequence: synonymous variant.
Genome position (GRCh38, 1-based): chr5:69,419,949, G>A. VCF-style: chr5-69419949-G-A. GRCh37 (hg19) VCF-style: chr5-68715776-G-A.
Other names: c.564G>A, p.Ser188= (NM_001244734.2).
Identifiers: ClinVar variation 2785976 (VCV002785976.17), dbSNP rs754706770, ClinGen allele CA3294076.

ClinVar aggregate classification (germline): Likely benign. Review status: criteria provided, multiple submitters, no conflicts (2 of 4 stars). 2 submissions from 2 submitters: Likely benign (2). Last evaluated 2024-10-01.

Allele frequency attached by ClinVar (database versions not stated): ExAC 0.00002.

Submissions (2):

CeGaT Center for Human Genetics Tuebingen
Classification: Likely benign. Last evaluated: 2024-10-01. Review status: criteria provided, single submitter. Criteria: CeGaT Center For Human Genetics Tuebingen Variant Classification Criteria Version 2. Collection method: clinical testing. Allele origin: germline. Affected: yes. Observed: 1 variant allele.
Comment: MARVELD2: BP4, BP7

Labcorp Genetics (formerly Invitae), Labcorp
Classification: Likely benign. Last evaluated: 2023-11-13. Review status: criteria provided, single submitter. Criteria: Invitae Variant Classification Sherloc (09022015). Collection method: clinical testing. Allele origin: germline.